The following is an entry in ClinVar:

NM_024422.6(DSC2):c.1552G>T (p.Val518Phe)

Gene: DSC2 (desmocollin 2; minus strand). Cytogenetic location: 18q12.1.
Variant type: single nucleotide variant.
Coding change: c.1552G>T on transcript NM_024422.6 (MANE Select); coding-DNA position 1552, G replaced by T.
Protein change: p.Val518Phe; replaces valine 518 with phenylalanine.
Molecular consequence: missense variant.
Genome position (GRCh38, 1-based): chr18:31,079,958, C>A on the plus strand (G>T on the coding strand, the complement: DSC2 is on the minus strand). VCF-style: chr18-31079958-C-A. GRCh37 (hg19) VCF-style: chr18-28659924-C-A.
Other names: c.1123G>T, p.Val375Phe (NM_001406506.1, NM_001406507.1); c.1552G>T, p.Val518Phe (NM_004949.5); c.1552G>T (NM_024422.3); short protein forms V375F, V518F.
Identifiers: ClinVar variation 2775181 (VCV002775181.5), dbSNP rs397517394, ClinGen allele CA032169.

ClinVar aggregate classification (germline): Uncertain significance. Review status: criteria provided, multiple submitters, no conflicts (2 of 4 stars). 3 submissions from 3 submitters: Uncertain significance (3). Last evaluated 2025-04-20.

Conditions:
Arrhythmogenic right ventricular dysplasia 11. Also called: ARRHYTHMOGENIC RIGHT VENTRICULAR DYSPLASIA, FAMILIAL, 11; Arrhythmogenic Right Ventricular Dysplasia/Cardiomyopathy11; Arrhythmogenic right ventricular dysplasia 11 with mild palmoplantar keratoderma and woolly hair. Identifiers: MedGen C1864850, MONDO:0012506, OMIM 610476.
Cardiovascular phenotype. Identifiers: MedGen CN230736.
Cardiomyopathy (CMYO). Also called: Cardiomyopathies. Identifiers: Orphanet 167848, MedGen C0878544, MONDO:0004994, HP:0001638. Inheritance: Various modes of inheritance.

gnomAD v4.1: 3 of 1,613,854 alleles (0.00019%); highest among the groups gnomAD compares: Non-Finnish European, 0.00025%; no homozygotes.

Submissions (3):

Ambry Genetics
Classification: Uncertain significance for Cardiovascular phenotype. Last evaluated: 2025-04-20. Review status: criteria provided, single submitter. Criteria: Ambry Variant Classification Scheme 2023. Collection method: clinical testing. Allele origin: germline.
Comment: The p.V518F variant (also known as c.1552G>T), located in coding exon 11 of the DSC2 gene, results from a G to T substitution at nucleotide position 1552. The valine at codon 518 is replaced by phenylalanine, an amino acid with highly similar properties. This amino acid position is conserved. In addition, this alteration is predicted to be tolerated by in silico analysis. Based on the available evidence, the clinical significance of this variant remains unclear.

Labcorp Genetics (formerly Invitae), Labcorp
Classification: Uncertain significance for Arrhythmogenic right ventricular dysplasia 11. Last evaluated: 2024-04-14. Review status: criteria provided, single submitter. Criteria: Invitae Variant Classification Sherloc (09022015). Collection method: clinical testing. Allele origin: germline.
Comment: This sequence change replaces valine, which is neutral and non-polar, with phenylalanine, which is neutral and non-polar, at codon 518 of the DSC2 protein (p.Val518Phe). This variant is present in population databases (rs397517394, gnomAD 0.0009%). This variant has not been reported in the literature in individuals affected with DSC2-related conditions. Advanced modeling of protein sequence and biophysical properties (such as structural, functional, and spatial information, amino acid conservation, physicochemical variation, residue mobility, and thermodynamic stability) performed at Invitae indicates that this missense variant is not expected to disrupt DSC2 protein function with a negative predictive value of 80%. In summary, the available evidence is currently insufficient to determine the role of this variant in disease. Therefore, it has been classified as a Variant of Uncertain Significance.

Color Diagnostics, LLC DBA Color Health
Classification: Uncertain significance for Cardiomyopathy. Last evaluated: 2023-08-07. Review status: criteria provided, single submitter. Criteria: ACMG Guidelines, 2015. Collection method: clinical testing. Allele origin: germline.
Comment: This missense variant replaces valine with phenylalanine at codon 518 of the DSC2 protein. Computational prediction suggests that this variant may not impact protein structure and function (internally defined REVEL score threshold <= 0.5, PMID: 27666373). To our knowledge, functional studies have not been reported for this variant. This variant has not been reported in individuals affected with DSC2-related disorders in the literature. This variant has been identified in 1/251108 chromosomes in the general population by the Genome Aggregation Database (gnomAD). The available evidence is insufficient to determine the role of this variant in disease conclusively. Therefore, this variant is classified as a Variant of Uncertain Significance.